The following is an entry in ClinVar:

ClinVar aggregate classification (germline): Benign/Likely benign. Review status: criteria provided, multiple submitters, no conflicts (2 of 4 stars). 5 submissions from 5 submitters: Benign (1); Likely benign (3). 1 of the submissions does not count toward it. Last evaluated 2024-10-24.

Conditions:
ATP13A2-related disorder. Also called: ATP13A2-related disorders; ATP13A2-related condition.
Kufor-Rakeb syndrome (KRS). Also called: PARKINSON DISEASE 9, AUTOSOMAL RECESSIVE, JUVENILE-ONSET. Identifiers: Orphanet 306674, Orphanet 314632, MedGen C1847640, MONDO:0011706, OMIM 606693.

Allele frequency attached by ClinVar (database versions not stated): gnomAD exomes 0.00044 and 0.00101; 1000 Genomes Project 0.00280; 1000 Genomes Project 30x 0.00297; ExAC 0.00304; gnomAD 0.00469 and 0.00509; TOPMed 0.00540.
gnomAD v4.1: 1,334 of 1,536,000 alleles (0.087%); highest among the groups gnomAD compares: African/African-American, 1.7%; 12 homozygotes.

Submissions (5):

Blueprint Genetics
Classification: Likely benign. Last evaluated: 2024-10-24. Review status: criteria provided, single submitter. Criteria: ACMG Guidelines, 2015. Collection method: clinical testing. Allele origin: germline.

GeneDx
Classification: Likely benign. Last evaluated: 2019-09-16. Review status: criteria provided, single submitter. Criteria: GeneDx Variant Classification Process June 2021. Collection method: clinical testing. Allele origin: germline. Affected: yes.

Illumina Laboratory Services, Illumina
Classification: Benign for Kufor-Rakeb syndrome. Last evaluated: 2018-01-13. Review status: criteria provided, single submitter. Criteria: ICSL Variant Classification Criteria 13 December 2019. Collection method: clinical testing. Allele origin: germline.
Comment: This variant was observed in the ICSL laboratory as part of a predisposition screen in an ostensibly healthy population. It had not been previously curated by ICSL or reported in the Human Gene Mutation Database (HGMD: prior to June 1st, 2018), and was therefore a candidate for classification through an automated scoring system. Utilizing variant allele frequency, disease prevalence and penetrance estimates, and inheritance mode, an automated score was calculated to assess if this variant is too frequent to cause the disease. Based on the score and internal cut-off values, a variant classified as benign is not then subjected to further curation. The score for this variant resulted in a classification of benign for this disease.

Breakthrough Genomics
Classification: Likely benign. Review status: criteria provided, single submitter. Criteria: ACMG Guidelines, 2015. Collection method: not provided. Allele origin: germline. Inheritance: Autosomal recessive inheritance. Affected: yes.

PreventionGenetics, part of Exact Sciences
Classification: Likely benign for ATP13A2-related condition. Last evaluated: 2024-05-21. Review status: no assertion criteria provided. Collection method: clinical testing. Allele origin: germline. Not counted in ClinVar's aggregate classification.
Comment: This variant is classified as likely benign based on ACMG/AMP sequence variant interpretation guidelines (Richards et al. 2015 PMID: 25741868, with internal and published modifications).

NM_022089.4(ATP13A2):c.*140C>G

Gene: ATP13A2 (ATPase cation transporting 13A2; minus strand). Cytogenetic location: 1p36.13.
Variant type: single nucleotide variant.
Coding change: c.*140C>G on transcript NM_022089.4 (MANE Select); 140 bases downstream of the stop codon, C replaced by G.
Molecular consequence: 3 prime UTR variant. On other transcripts: synonymous variant (1).
Genome position (GRCh38, 1-based): chr1:16,986,081, G>C on the plus strand (C>G on the coding strand, the complement: ATP13A2 is on the minus strand). VCF-style: chr1-16986081-G-C. GRCh37 (hg19) VCF-style: chr1-17312576-G-C.
Other names: c.*140C>G (NM_001141973.3); c.3381C>G, p.Pro1127= (NM_001141974.3); c.3381C>G (NM_001141974.2).
Identifiers: ClinVar variation 874313 (VCV000874313.11), dbSNP rs557545457, ClinGen allele CA636419.
Genomic context (GRCh38, chr1:16,986,081, plus strand): 5'-GCCACCCCTACGCGGGATGGTCCAAGGTAGGGGACAGTAGTCAACGCTTCCCCAGGGTGG[G>C]GGTGGTCTCGGGGGAGGAGTGTAGACAGTCGCCAACCTCAGGGATGTGGGAGGTGGTGGC-3'